The following is an entry in ClinVar:

NM_007294.4(BRCA1):c.2706del (p.Glu902fs)

Gene: BRCA1 (BRCA1 DNA repair associated; minus strand). Cytogenetic location: 17q21.31.
Variant type: Deletion.
Coding change: c.2706del on transcript NM_007294.4 (MANE Select); coding-DNA position 2706, one base deleted (A; older notation c.2706delA).
Protein change: p.Glu902fs; shifts the reading frame from glutamic acid 902.
Molecular consequence: frameshift variant. On other transcripts: intron variant (137).
Genome position (GRCh38, 1-based): chr17:43,092,825, T deleted on the plus strand (A on the coding strand, the reverse complement: BRCA1 is on the minus strand); the first of 2 consecutive T bases (chr17:43,092,825-43,092,826); deleting either gives the same sequence. VCF-style (leftmost placement, unchanged base first): chr17-43092824-AT-A. GRCh37 (hg19) VCF-style: chr17-41244841-AT-A.
Other names: c.2496del, p.Glu832fs (NM_001407900.1, NM_001407902.1, NM_001407904.1 and 13 more transcripts); c.2493del, p.Glu831fs (NM_001407915.1, NM_001407916.1, NM_001407917.1 and 9 more transcripts); c.2583del, p.Glu861fs (NM_001407919.1, NM_001407937.1, NM_001407938.1 and 19 more transcripts); c.2442del, p.Glu814fs (NM_001407920.1, NM_001407921.1, NM_001407922.1 and 9 more transcripts); c.2439del, p.Glu813fs (NM_001407930.1, NM_001407931.1, NM_001407932.1 and 2 more transcripts); c.2580del, p.Glu860fs (NM_001407940.1, NM_001407941.1, NM_001407649.1 and 11 more transcripts); c.2565del, p.Glu855fs (NM_001407942.1, NM_001407944.1, NM_001407945.1 and 29 more transcripts); c.2562del, p.Glu854fs (NM_001407943.1, NM_001407964.1, NM_001407740.1 and 20 more transcripts); and 42 more; short protein forms E902fs, E855fs, E791fs, E813fs, E814fs, E606fs, E790fs, E860fs.
Identifiers: ClinVar variation 667415 (VCV000667415.6), dbSNP rs1597868211, ClinGen allele CA913187870.
Genomic context (GRCh38, chr17:43,092,824, plus strand): 5'-CTGTCTGTACAGGCTTGATATTAGACTCATTCTTTCCTTGATTTTCTTCCTTTTGTTCAC[AT>A]TCAAAAGTGACTTTTGGACTTTGTTTCTTTAAGGACCCAGAGTGGGCAGAGAATGTTGCA-3'

ClinVar aggregate classification (germline): Pathogenic (1 of 4 stars; one submission).

Conditions:
Hereditary breast ovarian cancer syndrome. Also called: BRCA1- and BRCA2-Associated Hereditary Breast and Ovarian Cancer; Breast and ovarian cancer; Hereditary breast and ovarian cancer syndrome (HBOC); Hereditary breast and ovarian cancer; Hereditary breast and ovarian cancer syndrome; Hereditary breast and/or ovarian cancer syndrome. Identifiers: Orphanet 145, MedGen C0677776, MeSH D061325, MONDO:0003582. Disease mechanism: loss of function.

Submission:

Laboratory for Molecular Medicine, Mass General Brigham Personalized Medicine
Classification: Pathogenic for Hereditary breast ovarian cancer syndrome. Last evaluated: 2018-09-13. Review status: criteria provided, single submitter. Criteria: LMM Criteria. Collection method: clinical testing. Allele origin: germline. Inheritance: Autosomal dominant inheritance. Observed: 1 variant allele.
Comment: The p.Glu902AspfsX98 variant in BRCA1 has not been previously reported in indivi duals with BRCA1-associated cancer or in large population studies. This variant is predicted to cause a frameshift, which alters the protein?s amino acid sequen ce beginning at position 902 and leads to a premature termination codon 98 amino acids downstream. This alteration is then predicted to lead to a truncated or a bsent protein. Heterozygous loss of function of the BRCA1 gene is an established disease mechanism in autosomal dominant hereditary breast and ovarian cancer (H BOC). Additionally, other loss of function variants located in the same exon as the p.Glu902AspfsX98 variant have been reported in individuals with HBOC (HGMD; Stenson 2017). In summary, this variant meets criteria to be classified as patho genic for HBOC in an autosomal dominant manner based on absence from controls an d its predicted impact on the protein. ACMG/AMP criteria applied: PM2, PVS1.

Literature cited by the submitters: PubMed 28349240.